The following is an entry in ClinVar:

ClinVar aggregate classification (germline): Uncertain significance (1 of 4 stars; one submission).

Conditions:
Gastrointestinal stromal tumor. Also called: Gastrointestinal stromal tumor, somatic; Gastrointestinal stroma tumor. Identifiers: Orphanet 44890, MedGen C0238198, MeSH D046152, MONDO:0011719, OMIM 606764, HP:0100723.

Submission:

Labcorp Genetics (formerly Invitae), Labcorp
Classification: Uncertain significance for Gastrointestinal stromal tumor. Last evaluated: 2020-06-02. Review status: criteria provided, single submitter. Criteria: Invitae Variant Classification Sherloc (09022015). Collection method: clinical testing. Allele origin: germline.
Comment: In summary, the available evidence is currently insufficient to determine the role of this variant in disease. Therefore, it has been classified as a Variant of Uncertain Significance. Algorithms developed to predict the effect of sequence changes on RNA splicing suggest that this variant may create or strengthen a splice site, but this prediction has not been confirmed by published transcriptional studies. Algorithms developed to predict the effect of missense changes on protein structure and function (SIFT, PolyPhen-2, Align-GVGD) all suggest that this variant is likely to be disruptive, but these predictions have not been confirmed by published functional studies and their clinical significance is uncertain. This variant has not been reported in the literature in individuals with KIT-related conditions. This variant is not present in population databases (ExAC no frequency). This sequence change replaces glutamic acid with valine at codon 633 of the KIT protein (p.Glu633Val). The glutamic acid residue is highly conserved and there is a moderate physicochemical difference between glutamic acid and valine.

NM_000222.3(KIT):c.1898A>T (p.Glu633Val)

Gene: KIT (KIT proto-oncogene, receptor tyrosine kinase; plus strand). Cytogenetic location: 4q12.
Variant type: single nucleotide variant.
Coding change: c.1898A>T on transcript NM_000222.3 (MANE Select); coding-DNA position 1898, A replaced by T.
Protein change: p.Glu633Val; replaces glutamic acid 633 with valine.
Molecular consequence: missense variant.
Genome position (GRCh38, 1-based): chr4:54,728,029, A>T. VCF-style: chr4-54728029-A-T. GRCh37 (hg19) VCF-style: chr4-55594195-A-T.
Other names: c.1886A>T, p.Glu629Val (NM_001093772.2, NM_001385286.1); c.1901A>T, p.Glu634Val (NM_001385284.1, NM_001385290.1); c.1898A>T, p.Glu633Val (NM_001385285.1); c.1889A>T, p.Glu630Val (NM_001385288.1, NM_001385292.1); short protein forms E629V, E630V, E633V, E634V.
Identifiers: ClinVar variation 1011706 (VCV001011706.9), dbSNP rs1722351186, ClinGen allele CA356908453.